The following is an entry in ClinVar:

NM_001184.4(ATR):c.2467G>T (p.Ala823Ser)

Gene: ATR (ATR checkpoint kinase; minus strand). Cytogenetic location: 3q23.
Variant type: single nucleotide variant.
Coding change: c.2467G>T on transcript NM_001184.4 (MANE Select); coding-DNA position 2467, G replaced by T.
Protein change: p.Ala823Ser; replaces alanine 823 with serine.
Molecular consequence: missense variant.
Genome position (GRCh38, 1-based): chr3:142,553,890, C>A on the plus strand (G>T on the coding strand, the complement: ATR is on the minus strand). VCF-style: chr3-142553890-C-A. GRCh37 (hg19) VCF-style: chr3-142272732-C-A.
Other names: c.2275G>T, p.Ala759Ser (NM_001354579.2); short protein forms A823S, A759S.
Identifiers: ClinVar variation 1791709 (VCV001791709.3), dbSNP rs1577685490, ClinGen allele CA354816575.

ClinVar aggregate classification (germline): Uncertain significance (1 of 4 stars; one submission).

Conditions:
Inborn genetic diseases. Identifiers: MedGen C0950123, MeSH D030342.

Allele frequency attached by ClinVar (database versions not stated): gnomAD exomes below 0.00001; TOPMed below 0.00001.
gnomAD v4.1: 2 of 1,613,510 alleles (0.00012%); highest among the groups gnomAD compares: Non-Finnish European, 0.00017%; no homozygotes.

Submission:

Ambry Genetics
Classification: Uncertain significance for Inborn genetic diseases. Last evaluated: 2024-09-15. Review status: criteria provided, single submitter. Criteria: Ambry Variant Classification Scheme 2023. Collection method: clinical testing. Allele origin: germline.
Comment: The p.A823S variant (also known as c.2467G>T), located in coding exon 11 of the ATR gene, results from a G to T substitution at nucleotide position 2467. The alanine at codon 823 is replaced by serine, an amino acid with similar properties. This amino acid position is conserved. In addition, this alteration is predicted to be tolerated by in silico analysis. Since supporting evidence is limited at this time, the clinical significance of this alteration remains unclear.